The following is an entry in ClinVar:

NM_000222.3(KIT):c.2531G>A (p.Cys844Tyr)

Gene: KIT (KIT proto-oncogene, receptor tyrosine kinase; plus strand). Cytogenetic location: 4q12.
Variant type: single nucleotide variant.
Coding change: c.2531G>A on transcript NM_000222.3 (MANE Select); coding-DNA position 2531, G replaced by A.
Protein change: p.Cys844Tyr; replaces cysteine 844 with tyrosine.
Molecular consequence: missense variant.
Genome position (GRCh38, 1-based): chr4:54,736,544, G>A. VCF-style: chr4-54736544-G-A. GRCh37 (hg19) VCF-style: chr4-55602710-G-A.
Other names: c.2519G>A, p.Cys840Tyr (NM_001093772.2, NM_001385292.1); c.2534G>A, p.Cys845Tyr (NM_001385284.1); c.2528G>A, p.Cys843Tyr (NM_001385285.1); c.2516G>A, p.Cys839Tyr (NM_001385286.1); c.2522G>A, p.Cys841Tyr (NM_001385288.1); c.2531G>A, p.Cys844Tyr (NM_001385290.1); short protein forms C844Y, C840Y, C839Y, C841Y, C843Y, C845Y.
Identifiers: ClinVar variation 409781 (VCV000409781.17), dbSNP rs147609111, ClinGen allele CA16611610.

ClinVar aggregate classification (germline): Conflicting classifications of pathogenicity. Review status: criteria provided, conflicting classifications (1 of 4 stars). 5 submissions from 5 submitters: Uncertain significance (4); Likely benign (1). Last evaluated 2026-06-01.

Conditions:
Gastrointestinal stromal tumor. Also called: Gastrointestinal stroma tumor; Gastrointestinal stromal tumor, somatic. Identifiers: Orphanet 44890, MedGen C0238198, MeSH D046152, MONDO:0011719, OMIM 606764, HP:0100723.
Hereditary cancer-predisposing syndrome. Also called: Neoplastic Syndromes, Hereditary; Hereditary Cancer Syndrome; Hereditary neoplastic syndrome; Tumor predisposition. Identifiers: Orphanet 140162, MedGen C0027672, MeSH D009386, MONDO:0015356.

Allele frequency attached by ClinVar (database versions not stated): ESP Exome Variant Server 0.00008; TOPMed 0.00002.
gnomAD v4.1: 9 of 1,614,134 alleles (0.00056%); highest among the groups gnomAD compares: Non-Finnish European, 0.00076%; no homozygotes.

Submissions (5):

Myriad Genetics, Inc.
Classification: Likely benign for Gastrointestinal stromal tumor. Last evaluated: 2026-06-01. Review status: criteria provided, single submitter. Criteria: Myriad Autosomal Dominant, Autosomal Recessive and X-Linked Classification Criteria (2023). Collection method: clinical testing. Allele origin: unknown.
Comment: This variant is considered likely benign. This variant has been observed at a population frequency that is significantly greater than expected given the associated disease prevalence and penetrance.

St. Jude Molecular Pathology, St. Jude Children's Research Hospital
Classification: Uncertain significance for Gastrointestinal stromal tumor. Last evaluated: 2026-02-11. Review status: criteria provided, single submitter. Criteria: St. Jude Assertion Criteria 2020. Collection method: clinical testing. Allele origin: germline.
Comment: The KIT c.2531G>A p.(Cys844Tyr) missense change has a maximum subpopulation frequency of 0.0018% in gnomAD v2.1.1. The in silico tool REVEL predicts a deleterious effect on protein function, but to our knowledge this prediction has not been confirmed by functional studies. To our knowledge, this variant has not been reported in individuals with KIT-related gastrointestinal stromal tumor. In summary, the evidence currently available is insufficient to determine the clinical significance of this variant. It has therefore been classified as of uncertain significance.

Labcorp Genetics (formerly Invitae), Labcorp
Classification: Uncertain significance for Gastrointestinal stromal tumor. Last evaluated: 2026-01-27. Review status: criteria provided, single submitter. Criteria: Invitae Variant Classification Sherloc (09022015). Collection method: clinical testing. Allele origin: germline.
Comment: This sequence change replaces cysteine, which is neutral and slightly polar, with tyrosine, which is neutral and polar, at codon 844 of the KIT protein (p.Cys844Tyr). This variant is present in population databases (rs147609111, gnomAD 0.002%). This variant has not been reported in the literature in individuals affected with KIT-related conditions. ClinVar contains an entry for this variant (Variation ID: 409781). An algorithm developed to predict the effect of missense changes on protein structure and function (PolyPhen-2) suggests that this variant is likely to be disruptive. In summary, the available evidence is currently insufficient to determine the role of this variant in disease. Therefore, it has been classified as a Variant of Uncertain Significance.

Ambry Genetics
Classification: Uncertain significance for Hereditary cancer-predisposing syndrome. Last evaluated: 2024-12-22. Review status: criteria provided, single submitter. Criteria: Ambry Variant Classification Scheme 2023. Collection method: clinical testing. Allele origin: germline.
Comment: The p.C844Y variant (also known as c.2531G>A), located in coding exon 18 of the KIT gene, results from a G to A substitution at nucleotide position 2531. The cysteine at codon 844 is replaced by tyrosine, an amino acid with highly dissimilar properties. This amino acid position is highly conserved in available vertebrate species. In addition, this alteration is predicted to be deleterious by in silico analysis. Since supporting evidence is limited at this time, the clinical significance of this alteration remains unclear.

Baylor Genetics
Classification: Uncertain significance for Gastrointestinal stromal tumor. Last evaluated: 2023-11-07. Review status: criteria provided, single submitter. Criteria: ACMG Guidelines, 2015. Collection method: clinical testing. Allele origin: unknown.